The following is an entry in ClinVar:

ClinVar aggregate classification (germline): Pathogenic (1 of 4 stars; one submission).

Conditions:
Melnick-Needles syndrome (MNS). Also called: MELNICK-NEEDLES OSTEODYSPLASTY; Melnick-Needles Syndrome (FLNA-MNS); OSTEODYSPLASTY OF MELNICK AND NEEDLES. Identifiers: Orphanet 2484, MedGen C0025237, MONDO:0010650, OMIM 309350.
Frontometaphyseal dysplasia (FMD1). Identifiers: Orphanet 1826, MedGen C0265293, MONDO:0015942.
Heterotopia, periventricular, X-linked dominant (PVNH1). Also called: PERIVENTRICULAR NODULAR HETEROTOPIA 1; X-linked periventricular heterotopia; PERIVENTRICULAR NODULAR HETEROTOPIA 4; HETEROTOPIA, PERIVENTRICULAR, 1. Identifiers: Orphanet 2149, Orphanet 82004, MedGen C1848213, MONDO:0010233, OMIM 300049.
Oto-palato-digital syndrome, type II (OPD2). Also called: FACIOPALATOOSSEOUS SYNDROME; Otopalatodigital Syndrome Type 2 (FLNA-OPD2); OPD II SYNDROME; Otopalatodigital Syndrome, Type II. Identifiers: Orphanet 669, Orphanet 90652, MedGen C1844696, MONDO:0010571, OMIM 304120.

Submission:

Labcorp Genetics (formerly Invitae), Labcorp
Classification: Pathogenic for Oto-palato-digital syndrome, type II; Heterotopia, periventricular, X-linked dominant; Frontometaphyseal dysplasia; Melnick-Needles syndrome. Last evaluated: 2021-11-01. Review status: criteria provided, single submitter. Criteria: Invitae Variant Classification Sherloc (09022015). Collection method: clinical testing. Allele origin: germline.
Comment: This sequence change creates a premature translational stop signal (p.Asp918Glyfs*29) in the FLNA gene. It is expected to result in an absent or disrupted protein product. Loss-of-function variants in FLNA are known to be pathogenic (PMID: 16684786, 20730588, 26471271). This variant is not present in population databases (gnomAD no frequency). This variant has not been reported in the literature in individuals affected with FLNA-related conditions. For these reasons, this variant has been classified as Pathogenic.

Literature cited by the submitters: PubMed 16684786; PubMed 20730588; PubMed 26471271.

NM_001110556.2(FLNA):c.2751_2752dup (p.Asp918fs)

Gene: FLNA (filamin A; minus strand). Cytogenetic location: Xq28.
Variant type: Duplication.
Coding change: c.2751_2752dup on transcript NM_001110556.2 (MANE Select); coding-DNA positions 2751 to 2752, 2 bases duplicated (GG; older notation c.2751_2752dupGG).
Protein change: p.Asp918fs; shifts the reading frame from aspartic acid 918.
Molecular consequence: frameshift variant.
Genome position (GRCh38, 1-based): chrX:154,362,053-154,362,054, CC duplicated on the plus strand (GG on the coding strand, the reverse complement: FLNA is on the minus strand); duplicating any 2 consecutive bases within chrX:154,362,053-154,362,057 gives the same sequence; the c. name uses the placement nearest the transcript's 3' end. VCF-style (leftmost placement, unchanged base first): chrX-154362052-T-TCC. GRCh37 (hg19) VCF-style: chrX-153590420-T-TCC.
Other names: c.2751_2752dup, p.Asp918fs (NM_001456.4); short protein forms D918fs.
Identifiers: ClinVar variation 1434332 (VCV001434332.6), dbSNP rs2148114051, ClinGen allele CA2573159440.